The following is an entry in ClinVar:

NM_001278116.2(L1CAM):c.2195T>A (p.Val732Asp)

Gene: L1CAM (L1 cell adhesion molecule; minus strand). Cytogenetic location: Xq28.
Variant type: single nucleotide variant.
Coding change: c.2195T>A on transcript NM_001278116.2 (MANE Select); coding-DNA position 2195, T replaced by A.
Protein change: p.Val732Asp; replaces valine 732 with aspartic acid.
Molecular consequence: missense variant.
Genome position (GRCh38, 1-based): chrX:153,867,067, A>T on the plus strand (T>A on the coding strand, the complement: L1CAM is on the minus strand). VCF-style: chrX-153867067-A-T. GRCh37 (hg19) VCF-style: chrX-153132522-A-T.
Other names: c.2195T>A, p.Val732Asp (NM_000425.5, NM_024003.3); c.2180T>A, p.Val727Asp (NM_001143963.2); short protein forms V732D, V727D.
Identifiers: ClinVar variation 579752 (VCV000579752.8), dbSNP rs1569544718, ClinGen allele CA415121027.

ClinVar aggregate classification (germline): Uncertain significance (1 of 4 stars; one submission).

Conditions:
Spastic paraplegia. Identifiers: MedGen C0037772, HP:0001258.

Submission:

Labcorp Genetics (formerly Invitae), Labcorp
Classification: Uncertain significance for Spastic paraplegia. Last evaluated: 2018-05-07. Review status: criteria provided, single submitter. Criteria: Invitae Variant Classification Sherloc (09022015). Collection method: clinical testing. Allele origin: germline.
Comment: In summary, the available evidence is currently insufficient to determine the role of this variant in disease. Therefore, it has been classified as a Variant of Uncertain Significance. Algorithms developed to predict the effect of missense changes on protein structure and function (SIFT, PolyPhen-2, Align-GVGD) all suggest that this variant is likely to be disruptive, but these predictions have not been confirmed by published functional studies and their clinical significance is uncertain. This variant has not been reported in the literature in individuals with L1CAM-related disease. This variant is not present in population databases (ExAC no frequency). This sequence change replaces valine with aspartic acid at codon 732 of the L1CAM protein (p.Val732Asp). The valine residue is highly conserved and there is a large physicochemical difference between valine and aspartic acid.